The following is an entry in ClinVar:

NC_000016.9:g.(?_160503)_(188286_?)dup

Gene: NPRL3 (NPR3 like, GATOR1 complex subunit; minus strand). Cytogenetic location: 16p13.3.
Variant type: Duplication.
Identifiers: ClinVar variation 583646 (VCV000583646.3).

ClinVar aggregate classification (germline): Uncertain significance (1 of 4 stars; one submission).

Conditions:
Epilepsy, familial focal, with variable foci 3 (FFEVF3). Identifiers: MedGen C4310708, MONDO:0014925, OMIM 617118.

Submission:

Labcorp Genetics (formerly Invitae), Labcorp
Classification: Uncertain significance for Epilepsy, familial focal, with variable foci 3. Last evaluated: 2019-11-26. Review status: criteria provided, single submitter. Criteria: Invitae Variant Classification Sherloc (09022015). Collection method: clinical testing. Allele origin: germline.
Comment: This variant results in a copy number gain of the genomic region encompassing exons 2-7 of the NPRL3 gene. The 5' end of this event is unknown as it extends beyond the assayed region for this gene and therefore may encompass additional genes. The 3' boundary is likely confined to intron 7 of the NPRL3 gene. As the precise location of this event is unknown, it may be in tandem or it may be located elsewhere in the genome. This variant has not been reported in the literature in individuals with NPRL3-related disease. In summary, the available evidence is currently insufficient to determine the role of this variant in disease. Therefore, it has been classified as a Variant of Uncertain Significance.